The following is an entry in ClinVar:

ClinVar aggregate classification (germline): Likely benign. Review status: criteria provided, multiple submitters, no conflicts (2 of 4 stars). 3 submissions from 3 submitters: Likely benign (2). 1 of the submissions does not count toward it. Last evaluated 2025-11-12.

Conditions:
KRT12-related disorder. Also called: KRT12-related condition.

Allele frequency attached by ClinVar (database versions not stated): 1000 Genomes Project 30x 0.00078; 1000 Genomes Project 0.00080; TOPMed 0.00161; gnomAD 0.00165 and 0.00172; gnomAD exomes 0.00191; ESP Exome Variant Server 0.00208; ExAC 0.00236.
gnomAD v4.1: 4,380 of 1,613,058 alleles (0.27%); highest among the groups gnomAD compares: Non-Finnish European, 0.34%; 11 homozygotes.

Submissions (3):

Labcorp Genetics (formerly Invitae), Labcorp
Classification: Likely benign. Last evaluated: 2025-11-12. Review status: criteria provided, single submitter. Criteria: Invitae Variant Classification Sherloc (09022015). Collection method: clinical testing. Allele origin: germline.

CeGaT Center for Human Genetics Tuebingen
Classification: Likely benign. Last evaluated: 2023-02-01. Review status: criteria provided, single submitter. Criteria: CeGaT Center For Human Genetics Tuebingen Variant Classification Criteria Version 2. Collection method: clinical testing. Allele origin: germline. Affected: yes. Observed: 1 variant allele.
Comment: KRT12: BS2

PreventionGenetics, part of Exact Sciences
Classification: Likely benign for KRT12-related condition. Last evaluated: 2019-06-19. Review status: no assertion criteria provided. Collection method: clinical testing. Allele origin: germline. Not counted in ClinVar's aggregate classification.
Comment: This variant is classified as likely benign based on ACMG/AMP sequence variant interpretation guidelines (Richards et al. 2015 PMID: 25741868, with internal and published modifications).

NM_000223.4(KRT12):c.902T>C (p.Met301Thr)

Gene: KRT12 (keratin 12; minus strand). Cytogenetic location: 17q21.2.
Variant type: single nucleotide variant.
Coding change: c.902T>C on transcript NM_000223.4 (MANE Select); coding-DNA position 902, T replaced by C.
Protein change: p.Met301Thr; replaces methionine 301 with threonine.
Molecular consequence: missense variant.
Genome position (GRCh38, 1-based): chr17:40,863,770, A>G on the plus strand (T>C on the coding strand, the complement: KRT12 is on the minus strand). VCF-style: chr17-40863770-A-G. GRCh37 (hg19) VCF-style: chr17-39020022-A-G.
Other names: short protein forms M301T.
Identifiers: ClinVar variation 723635 (VCV000723635.30), dbSNP rs139647784, ClinGen allele CA8548737.
Genomic context (GRCh38, chr17:40,863,770, plus strand): 5'-ATGAACCAGGCTTCAGCGTCCTTCCGATTCTGCTCAGCGATGGTTTCATACTGCGCCCGC[A>G]TATCATTGAGGAGCCTGGTGAGGTCCACTCCGGGGGCAGCGTCCATTTCTACGCTGACCT-3'
Protein context (NP_000214.1, residues 291-311): GVDLTRLLND[Met301Thr]RAQYETIAEQ